The following is an entry in ClinVar:

NM_001367721.1(CASK):c.915+829A>G

Gene: CASK (calcium/calmodulin dependent serine protein kinase; minus strand). Cytogenetic location: Xp11.4.
Variant type: single nucleotide variant.
Coding change: c.915+829A>G on transcript NM_001367721.1 (MANE Select); 829 bases into the intron after coding-DNA position 915, A replaced by G.
Molecular consequence: intron variant.
Genome position (GRCh38, 1-based): chrX:41,635,749, T>C on the plus strand (A>G on the coding strand, the complement: CASK is on the minus strand). VCF-style: chrX-41635749-T-C. GRCh37 (hg19) VCF-style: chrX-41495002-T-C.
Other names: c.915+829A>G (NM_001126055.3, NM_001410745.1, NM_001126054.3 and 1 more transcripts).
Identifiers: ClinVar variation 2660351 (VCV002660351.24), dbSNP rs1230081156, ClinGen allele CA641577908.

ClinVar aggregate classification (germline): Likely benign (1 of 4 stars; one submission).

Allele frequency attached by ClinVar (database versions not stated): gnomAD 0.00024.

Submission:

CeGaT Center for Human Genetics Tuebingen
Classification: Likely benign. Last evaluated: 2022-12-01. Review status: criteria provided, single submitter. Criteria: CeGaT Center For Human Genetics Tuebingen Variant Classification Criteria Version 2. Collection method: clinical testing. Allele origin: germline. Affected: yes. Observed: 1 variant allele.
Comment: CASK: BS2